The following is an entry in ClinVar:

ClinVar aggregate classification (germline): Uncertain significance (1 of 4 stars; one submission).

gnomAD v4.1: 4 of 1,211,692 alleles (0.00033%); highest among the groups gnomAD compares: Non-Finnish European, 0.00045%; no homozygotes.

Submission:

Labcorp Genetics (formerly Invitae), Labcorp
Classification: Uncertain significance. Last evaluated: 2024-11-25. Review status: criteria provided, single submitter. Criteria: Invitae Variant Classification Sherloc (09022015). Collection method: clinical testing. Allele origin: germline.
Comment: This sequence change replaces threonine, which is neutral and polar, with alanine, which is neutral and non-polar, at codon 37 of the AMER1 protein (p.Thr37Ala). This variant is present in population databases (no rsID available, gnomAD 0.001%). This variant has not been reported in the literature in individuals affected with AMER1-related conditions. An algorithm developed to predict the effect of missense changes on protein structure and function (PolyPhen-2) suggests that this variant is likely to be tolerated. In summary, the available evidence is currently insufficient to determine the role of this variant in disease. Therefore, it has been classified as a Variant of Uncertain Significance.

NM_152424.4(AMER1):c.109A>G (p.Thr37Ala)

Gene: AMER1 (APC membrane recruitment protein 1; minus strand). Cytogenetic location: Xq11.2.
Variant type: single nucleotide variant.
Coding change: c.109A>G on transcript NM_152424.4 (MANE Select); coding-DNA position 109, A replaced by G.
Protein change: p.Thr37Ala; replaces threonine 37 with alanine.
Molecular consequence: missense variant.
Genome position (GRCh38, 1-based): chrX:64,193,178, T>C on the plus strand (A>G on the coding strand, the complement: AMER1 is on the minus strand). VCF-style: chrX-64193178-T-C. GRCh37 (hg19) VCF-style: chrX-63413058-T-C.
Other names: short protein forms T37A.
Identifiers: ClinVar variation 3625779 (VCV003625779.2).